The following is an entry in ClinVar:

NM_000379.4(XDH):c.2915_2916delinsTT (p.Cys972Phe)

Gene: XDH (xanthine dehydrogenase; minus strand). Cytogenetic location: 2p23.1.
Variant type: Indel.
Coding change: c.2915_2916delinsTT on transcript NM_000379.4 (MANE Select); coding-DNA positions 2915 to 2916, GC replaced by TT.
Protein change: p.Cys972Phe; replaces cysteine 972 with phenylalanine.
Molecular consequence: missense variant.
Genome position (GRCh38, 1-based): chr2:31,349,739-31,349,740, GC replaced by AA on the plus strand (GC replaced by TT on the coding strand, the reverse complement: XDH is on the minus strand). VCF-style: chr2-31349739-GC-AA. GRCh37 (hg19) VCF-style: chr2-31572605-GC-AA.
Other names: short protein forms C972F.
Identifiers: ClinVar variation 1451095 (VCV001451095.6), dbSNP rs2148756357, ClinGen allele CA2573134595.
Genomic context (GRCh38, chr2:31,349,739, plus strand): 5'-TGCTTACTTGTTGAACTTGTCAACCTCACTCTTCCGAGCATGATACTGAGAGCTTGCTAG[GC>AA]ATTCTTCCCAGCATCTGGGCAAGGTGAAACCCTCAAGCTTCTGGTTGAAGTGTGTCAGGT-3'
Protein context (NP_000370.2, residues 962-982): GFTLPRCWEE[Cys972Phe]LASSQYHARK

ClinVar aggregate classification (germline): Uncertain significance (1 of 4 stars; one submission).

Conditions:
Xanthinuria type II. Also called: Xanthine dehydrogenase and aldehyde oxidase combined deficiency of; XDH and AOX dual deficiency. Identifiers: Orphanet 3467, Orphanet 93602, MedGen C1863688, MONDO:0011346, OMIM 603592.

Submission:

Labcorp Genetics (formerly Invitae), Labcorp
Classification: Uncertain significance for Xanthinuria type II. Last evaluated: 2022-10-24. Review status: criteria provided, single submitter. Criteria: Invitae Variant Classification Sherloc (09022015). Collection method: clinical testing. Allele origin: germline.
Comment: This sequence change replaces cysteine with phenylalanine at codon 972 of the XDH protein (p.Cys972Phe). The cysteine residue is highly conserved and there is a large physicochemical difference between cysteine and phenylalanine. Information on the frequency of this variant in the gnomAD database is not available, as this variant may be reported differently in the database. This variant has not been reported in the literature in individuals affected with XDH-related conditions. ClinVar contains an entry for this variant (Variation ID: 1451095). Algorithms developed to predict the effect of missense changes on protein structure and function are either unavailable or do not agree on the potential impact of this missense change (SIFT: "Not Available"; PolyPhen-2: "Probably Damaging"; Align-GVGD: "Not Available"). In summary, the available evidence is currently insufficient to determine the role of this variant in disease. Therefore, it has been classified as a Variant of Uncertain Significance.